The following is an entry in ClinVar:

ClinVar aggregate classification (germline): Likely pathogenic (1 of 4 stars; one submission).

Conditions:
Congenital multicore myopathy with external ophthalmoplegia (CMYO1B). Also called: MULTICORE MYOPATHY; Minicore myopathy with external ophthalmoplegia; MULTIMINICORE DISEASE WITH EXTERNAL OPHTHALMOPLEGIA; Congenital myopathy 1B, autosomal recessive; Minicore myopathy. Identifiers: Orphanet 598, Orphanet 98905, MedGen C1850674, MONDO:0009712, OMIM 255320, HP:0003789.

gnomAD v4.1: 3 of 1,396,256 alleles (0.00021%); highest among the groups gnomAD compares: Non-Finnish European, 0.00029%; no homozygotes.

Submission:

Genetics Department, Hospital De La Santa Creu I Sant Pau
Classification: Likely pathogenic for Congenital multicore myopathy with external ophthalmoplegia. Last evaluated: 2024-11-13. Review status: criteria provided, single submitter. Criteria: ACMG Guidelines, 2015. Collection method: clinical testing, in vivo. Allele origin: maternal. Affected: yes. Functional consequence: splicing_variant.
Comment: The heterozygous c.7833C>T variant in RYR1 was identified in the compound heterozygous state with a pathogenic variant. This variant was shown to alter canonical splicing in muscle RNAseq. Criteria applied: PM2, PM3, PS3 (Richards et al, 2015)

NM_000540.3(RYR1):c.7833C>T (p.Cys2611=)

Gene: RYR1 (ryanodine receptor 1; plus strand). Cytogenetic location: 19q13.2.
Variant type: single nucleotide variant.
Coding change: c.7833C>T on transcript NM_000540.3 (MANE Select); coding-DNA position 7833, C replaced by T.
Protein change: p.Cys2611=; no amino-acid change (cysteine 2611 retained).
Molecular consequence: synonymous variant.
Genome position (GRCh38, 1-based): chr19:38,502,725, C>T. VCF-style: chr19-38502725-C-T. GRCh37 (hg19) VCF-style: chr19-38993365-C-T.
Other names: c.7833C>T, p.Cys2611= (NM_001042723.2).
Identifiers: ClinVar variation 3573465 (VCV003573465.2).